The following is an entry in ClinVar:

ClinVar aggregate classification (germline): Uncertain significance. Review status: criteria provided, multiple submitters, no conflicts (2 of 4 stars). 3 submissions from 3 submitters: Uncertain significance (3). Last evaluated 2025-02-26.

Conditions:
Hereditary leiomyomatosis and renal cell cancer. Also called: MULTIPLE CUTANEOUS AND UTERINE LEIOMYOMATA 1, WITH OR WITHOUT RENAL CELL CARCINOMA; LEIOMYOMA, MULTIPLE CUTANEOUS; Reed syndrome; Multiple cutaneous and uterine leiomyomatosis; Cutaneous leiomyomata with uterine leiomyomata; Leiomyoma, hereditary multiple, of skin. Identifiers: Orphanet 523, MedGen C1708350, MONDO:0007888, OMIM 150800, HP:0007437. Disease mechanism: loss of function.
Fumarase deficiency (FMRD). Also called: Fumaric aciduria; Fumarate Hydratase Deficiency. Identifiers: Orphanet 24, MedGen C0342770, MONDO:0011730, OMIM 606812.

Allele frequency attached by ClinVar (database versions not stated): gnomAD exomes below 0.00001.
gnomAD v4.1: 1 of 1,613,924 alleles (0.000062%); highest among the groups gnomAD compares: Non-Finnish European, 0.000085%; no homozygotes.

Submissions (3):

Molecular Pathology, Peter Maccallum Cancer Centre
Classification: Uncertain significance for Hereditary leiomyomatosis and renal cell cancer. Last evaluated: 2025-02-26. Review status: criteria provided, single submitter. Criteria: ACMG Guidelines, 2015. Collection method: clinical testing. Allele origin: germline. Inheritance: Autosomal dominant inheritance.

Fulgent Genetics
Classification: Uncertain significance for Hereditary leiomyomatosis and renal cell cancer; Fumarase deficiency. Last evaluated: 2024-05-30. Review status: criteria provided, single submitter. Criteria: ACMG Guidelines, 2015. Collection method: clinical testing. Allele origin: germline.

Labcorp Genetics (formerly Invitae), Labcorp
Classification: Uncertain significance. Last evaluated: 2022-04-26. Review status: criteria provided, single submitter. Criteria: Invitae Variant Classification Sherloc (09022015). Collection method: clinical testing. Allele origin: germline.
Comment: In summary, the available evidence is currently insufficient to determine the role of this variant in disease. Therefore, it has been classified as a Variant of Uncertain Significance. Advanced modeling of protein sequence and biophysical properties (such as structural, functional, and spatial information, amino acid conservation, physicochemical variation, residue mobility, and thermodynamic stability) performed at Invitae indicates that this missense variant is expected to disrupt FH protein function. This variant has not been reported in the literature in individuals affected with FH-related conditions. This variant is not present in population databases (gnomAD no frequency). This sequence change replaces histidine, which is basic and polar, with tyrosine, which is neutral and polar, at codon 176 of the FH protein (p.His176Tyr).

NM_000143.4(FH):c.526C>T (p.His176Tyr)

Gene: FH (fumarate hydratase; minus strand). Cytogenetic location: 1q43.
Variant type: single nucleotide variant.
Coding change: c.526C>T on transcript NM_000143.4 (MANE Select); coding-DNA position 526, C replaced by T.
Protein change: p.His176Tyr; replaces histidine 176 with tyrosine.
Molecular consequence: missense variant.
Genome position (GRCh38, 1-based): chr1:241,511,996, G>A on the plus strand (C>T on the coding strand, the complement: FH is on the minus strand). VCF-style: chr1-241511996-G-A. GRCh37 (hg19) VCF-style: chr1-241675296-G-A.
Other names: short protein forms H176Y.
Identifiers: ClinVar variation 2064398 (VCV002064398.6), dbSNP rs2147921804, ClinGen allele CA345439906.
Genomic context (GRCh38, chr1:241,511,996, plus strand): 5'-AACCAAAAAACAGCAAAGCTCACATACTGACCTGGCTTTTATTAACATGATCGTTGGGAT[G>A]CACAGGTATCTTGCTGCCAAGTTCACCTCCTAACATTTCAATTGCTCTATTGCTAATGAC-3'
Protein context (NP_000134.2, residues 166-186): GGELGSKIPV[His176Tyr]PNDHVNKSQS